The following is an entry in ClinVar:

NM_001394062.1(MACF1):c.4220G>A (p.Arg1407His)

Gene: MACF1 (microtubule actin crosslinking factor 1; plus strand). Cytogenetic location: 1p34.3.
Variant type: single nucleotide variant.
Coding change: c.4220G>A on transcript NM_001394062.1 (MANE Select); coding-DNA position 4220, G replaced by A.
Protein change: p.Arg1407His; replaces arginine 1407 with histidine.
Molecular consequence: missense variant.
Genome position (GRCh38, 1-based): chr1:39,322,992, G>A. VCF-style: chr1-39322992-G-A. GRCh37 (hg19) VCF-style: chr1-39788664-G-A.
Other names: c.4235G>A, p.Arg1412His (NM_012090.5); short protein forms R1407H, R1412H.
Identifiers: ClinVar variation 3670445 (VCV003670445.2).

ClinVar aggregate classification (germline): Uncertain significance (1 of 4 stars; one submission).

gnomAD v4.1: 66 of 1,614,050 alleles (0.0041%); highest among the groups gnomAD compares: Admixed American, 0.077%; no homozygotes.

Submission:

Labcorp Genetics (formerly Invitae), Labcorp
Classification: Uncertain significance. Last evaluated: 2024-06-14. Review status: criteria provided, single submitter. Criteria: Invitae Variant Classification Sherloc (09022015). Collection method: clinical testing. Allele origin: germline.
Comment: This sequence change replaces arginine, which is basic and polar, with histidine, which is basic and polar, at codon 1412 of the MACF1 protein (p.Arg1412His). This variant is present in population databases (rs148253091, gnomAD 0.07%), and has an allele count higher than expected for a pathogenic variant. This variant has not been reported in the literature in individuals affected with MACF1-related conditions. An algorithm developed to predict the effect of missense changes on protein structure and function (PolyPhen-2) suggests that this variant is likely to be disruptive. In summary, the available evidence is currently insufficient to determine the role of this variant in disease. Therefore, it has been classified as a Variant of Uncertain Significance.